The following is an entry in ClinVar:

NM_001330723.2(SNX27):c.1147C>G (p.Gln383Glu)

Gene: SNX27 (sorting nexin 27; plus strand). Cytogenetic location: 1q21.3.
Variant type: single nucleotide variant.
Coding change: c.1147C>G on transcript NM_001330723.2 (MANE Select); coding-DNA position 1147, C replaced by G.
Protein change: p.Gln383Glu; replaces glutamine 383 with glutamic acid.
Molecular consequence: missense variant.
Genome position (GRCh38, 1-based): chr1:151,668,633, C>G. VCF-style: chr1-151668633-C-G. GRCh37 (hg19) VCF-style: chr1-151641109-C-G.
Other names: c.1147C>G, p.Gln383Glu (NM_030918.6); short protein forms Q383E.
Identifiers: ClinVar variation 652893 (VCV000652893.6), dbSNP rs758891209, ClinGen allele CA1093585.
Genomic context (GRCh38, chr1:151,668,633, plus strand): 5'-ACAACAGAAGAAGAAATTCTCTTAAATGACAATGACCTTGCTGTTACCTACTTCTTTCAT[C>G]AGGTAGGTGAATTGATCTTCTTGAAAGGCACAATTTCTTTTTATGTTTGAATATAGTTGG-3'
Protein context (NP_001317652.1, residues 373-393): NDLAVTYFFH[Gln383Glu]AVDDVKKGYI

ClinVar aggregate classification (germline): Uncertain significance (1 of 4 stars; one submission).

Conditions:
Severe myoclonic epilepsy in infancy (DRVT). Also called: SEVERE MYOCLONIC EPILEPSY OF INFANCY; DEVELOPMENTAL AND EPILEPTIC ENCEPHALOPATHY 6A; Severe Myoclonic Epilepsy in Infancy (SMEI); Dravet syndrome; Epileptic encephalopathy, early infantile, 6 (Dravet syndrome). Identifiers: Orphanet 33069, MedGen C0751122, MONDO:0100135, OMIM 607208.

Allele frequency attached by ClinVar (database versions not stated): gnomAD exomes 0.00001 and 0.00002; ExAC 0.00005.
gnomAD v4.1: 15 of 1,610,588 alleles (0.00093%); highest among the groups gnomAD compares: South Asian, 0.016%; no homozygotes.

Submission:

Labcorp Genetics (formerly Invitae), Labcorp
Classification: Uncertain significance for Severe myoclonic epilepsy in infancy. Last evaluated: 2021-09-01. Review status: criteria provided, single submitter. Criteria: Invitae Variant Classification Sherloc (09022015). Collection method: clinical testing. Allele origin: germline.
Comment: This sequence change replaces glutamine with glutamic acid at codon 383 of the SNX27 protein (p.Gln383Glu). The glutamine residue is highly conserved and there is a small physicochemical difference between glutamine and glutamic acid. This variant is present in population databases (rs758891209, ExAC 0.03%). This variant has not been reported in the literature in individuals affected with SNX27-related conditions. Algorithms developed to predict the effect of missense changes on protein structure and function are either unavailable or do not agree on the potential impact of this missense change (SIFT: "Deleterious"; PolyPhen-2: "Benign"; Align-GVGD: "Class C25"). In summary, the available evidence is currently insufficient to determine the role of this variant in disease. Therefore, it has been classified as a Variant of Uncertain Significance.